The following is an entry in ClinVar:

NM_012154.5(AGO2):c.1774A>G (p.Ile592Val)

Gene: AGO2 (argonaute RISC catalytic component 2; minus strand). Cytogenetic location: 8q24.3.
Variant type: single nucleotide variant.
Coding change: c.1774A>G on transcript NM_012154.5 (MANE Select); coding-DNA position 1774, A replaced by G.
Protein change: p.Ile592Val; replaces isoleucine 592 with valine.
Molecular consequence: missense variant.
Genome position (GRCh38, 1-based): chr8:140,544,278, T>C on the plus strand (A>G on the coding strand, the complement: AGO2 is on the minus strand). VCF-style: chr8-140544278-T-C. GRCh37 (hg19) VCF-style: chr8-141554377-T-C.
Other names: c.1774A>G, p.Ile592Val (NM_001164623.3); short protein forms I592V.
Identifiers: ClinVar variation 3252830 (VCV003252830.1), dbSNP rs1409885719.
Genomic context (GRCh38, chr8:140,544,278, plus strand): 5'-CAATGGAGGGCTTCTTCCCATCCCCGGCGGGGGGGTGAGTGACGTCTGCTCCCAGAAAGA[T>C]GACGGGCTGCTGGAACACCGGCGGCCTGCGGAGAGGAGTGGCGTCAGGGGCCACGGTGAG-3'
Protein context (NP_036286.2, residues 582-602): GRPPVFQQPV[Ile592Val]FLGADVTHPP

ClinVar aggregate classification (germline): Uncertain significance (1 of 4 stars; one submission).

gnomAD v4.1: 1 of 1,603,658 alleles (0.000062%); no homozygotes.

Submission:

GeneDx
Classification: Uncertain significance. Last evaluated: 2023-08-16. Review status: criteria provided, single submitter. Criteria: GeneDx Variant Classification Process June 2021. Collection method: clinical testing. Allele origin: germline. Affected: yes.
Comment: Not observed at significant frequency in large population cohorts (gnomAD); In silico analysis supports that this missense variant does not alter protein structure/function; Has not been previously published as pathogenic or benign to our knowledge